The following is an entry in ClinVar:

NM_001368882.1(COL13A1):c.1156G>A (p.Asp386Asn)

Gene: COL13A1 (collagen type XIII alpha 1 chain; plus strand). Cytogenetic location: 10q22.1.
Variant type: single nucleotide variant.
Coding change: c.1156G>A on transcript NM_001368882.1 (MANE Select); coding-DNA position 1156, G replaced by A.
Protein change: p.Asp386Asn; replaces aspartic acid 386 with asparagine.
Molecular consequence: missense variant.
Genome position (GRCh38, 1-based): chr10:69,922,720, G>A. VCF-style: chr10-69922720-G-A. GRCh37 (hg19) VCF-style: chr10-71682476-G-A.
Other names: c.493G>A, p.Asp165Asn (NM_001368886.1); c.1066G>A, p.Asp356Asn (NM_001368895.1, NM_080800.4); c.952G>A, p.Asp318Asn (NM_001368896.1, NM_001368898.1, NM_080798.4); c.979G>A, p.Asp327Asn (NM_001368897.1); c.1057G>A, p.Asp353Asn (NM_080801.4, NM_080802.4, NM_001368885.1); c.970G>A, p.Asp324Asn (NM_080805.4); c.1123G>A, p.Asp375Asn (NM_001130103.2); c.1093G>A, p.Asp365Asn (NM_001320951.2, NM_001368884.1); and 2 more; short protein forms D324N, D353N, D374N, D386N, D327N, D356N, D375N, D165N.
Identifiers: ClinVar variation 1507654 (VCV001507654.7), dbSNP rs769993863, ClinGen allele CA5534626.

ClinVar aggregate classification (germline): Uncertain significance. Review status: criteria provided, multiple submitters, no conflicts (2 of 4 stars). 2 submissions from 2 submitters: Uncertain significance (2). Last evaluated 2025-12-02.

Conditions:
Inborn genetic diseases. Identifiers: MedGen C0950123, MeSH D030342.

Allele frequency attached by ClinVar (database versions not stated): gnomAD 0.00003 and 0.00004; TOPMed 0.00004; gnomAD exomes 0.00003 and 0.00002; ExAC 0.00008.
gnomAD v4.1: 28 of 1,606,218 alleles (0.0017%); highest among the groups gnomAD compares: East Asian, 0.018%; no homozygotes.

Submissions (2):

Ambry Genetics
Classification: Uncertain significance for Inborn genetic diseases. Last evaluated: 2025-12-02. Review status: criteria provided, single submitter. Criteria: Ambry Variant Classification Scheme 2023. Collection method: clinical testing. Allele origin: germline.

Labcorp Genetics (formerly Invitae), Labcorp
Classification: Uncertain significance. Last evaluated: 2021-08-31. Review status: criteria provided, single submitter. Criteria: Invitae Variant Classification Sherloc (09022015). Collection method: clinical testing. Allele origin: germline.
Comment: This sequence change replaces aspartic acid with asparagine at codon 375 of the COL13A1 protein (p.Asp375Asn). The aspartic acid residue is highly conserved and there is a small physicochemical difference between aspartic acid and asparagine. This variant is present in population databases (rs769993863, ExAC 0.04%). This variant has not been reported in the literature in individuals affected with COL13A1-related conditions. Algorithms developed to predict the effect of missense changes on protein structure and function are either unavailable or do not agree on the potential impact of this missense change (SIFT: "Tolerated"; PolyPhen-2: "Probably Damaging"; Align-GVGD: "Class C0"). In summary, the available evidence is currently insufficient to determine the role of this variant in disease. Therefore, it has been classified as a Variant of Uncertain Significance.